The following is an entry in ClinVar:

ClinVar aggregate classification (germline): Pathogenic. Review status: criteria provided, multiple submitters, no conflicts (2 of 4 stars). 4 submissions from 4 submitters: Pathogenic (3). 1 of the submissions does not count toward it. Last evaluated 2025-09-17.

Submissions (4):

GeneDx
Classification: Pathogenic. Last evaluated: 2025-09-17. Review status: criteria provided, single submitter. Criteria: GeneDx Variant Classification Process June 2021. Collection method: clinical testing. Allele origin: germline. Affected: yes.
Comment: Located in the highly conserved head domain of KRT5, which is intolerant to change; variants in this region interfere with proper keratin intermediate filament assembly and function, resulting in skin fragility and/or hyperkeratosis (PMID: 21176769); Not observed at significant frequency in large population cohorts (gnomAD); In silico analysis supports that this missense variant has a deleterious effect on protein structure/function; This variant is associated with the following publications: (PMID: 23450297, 36809127, 16786515)

Revvity Omics, Revvity
Classification: Pathogenic. Last evaluated: 2021-07-20. Review status: criteria provided, single submitter. Criteria: ACMG Guidelines, 2015. Collection method: clinical testing. Allele origin: germline.

Institute of Medical Genetics and Applied Genomics, University Hospital Tübingen
Classification: Pathogenic. Last evaluated: 2020-10-23. Review status: criteria provided, single submitter. Criteria: ACMG Guidelines, 2015. Collection method: clinical testing. Allele origin: germline. Inheritance: Autosomal unknown. Affected: yes.

Epithelial Biology;  Institute of Medical Biology, Singapore
No classification provided. Review status: no classification provided. Collection method: not provided. Allele origin: not provided. Not counted in ClinVar's aggregate classification.

NM_000424.4(KRT5):c.502G>A (p.Glu168Lys)

Gene: KRT5 (keratin 5; minus strand). Cytogenetic location: 12q13.13.
Variant type: single nucleotide variant.
Coding change: c.502G>A on transcript NM_000424.4 (MANE Select); coding-DNA position 502, G replaced by A.
Protein change: p.Glu168Lys; replaces glutamic acid 168 with lysine.
Molecular consequence: missense variant.
Genome position (GRCh38, 1-based): chr12:52,519,795, C>T on the plus strand (G>A on the coding strand, the complement: KRT5 is on the minus strand). VCF-style: chr12-52519795-C-T. GRCh37 (hg19) VCF-style: chr12-52913579-C-T.
Other names: short protein forms E168K.
Identifiers: ClinVar variation 66248 (VCV000066248.10), dbSNP rs58619430, ClinGen allele CA216729.
Genomic context (GRCh38, chr12:52,519,795, plus strand): 5'-AGCTCACCTTGTCGATGAAGGAGGCAAACTTATTGTTGAGGGTCTTGATCTGCTCGCGCT[C>T]CTCGGTCCTCACCCTCTGGATGCTGGGGTCGATTTGCAGGTTGAGGGGAGTCAGGAGACT-3'
Protein context (NP_000415.2, residues 158-178): DPSIQRVRTE[Glu168Lys]REQIKTLNNK